The following is an entry in ClinVar:

ClinVar aggregate classification (germline): Uncertain significance (1 of 4 stars; one submission).

Conditions:
KCNJ11-related disorder. Also called: KCNJ11-related disorders; KCNJ11-related condition.

Submission:

PreventionGenetics, part of Exact Sciences
Classification: Uncertain significance for KCNJ11-related condition. Last evaluated: 2025-01-30. Review status: criteria provided, single submitter. Criteria: ACMG Guidelines, 2015. Collection method: clinical testing. Allele origin: germline.
Comment: The KCNJ11 c.205C>A variant is predicted to result in the amino acid substitution p.Pro69Thr. To our knowledge, this variant has not been reported in the literature. This variant is reported in 0.0062% of alleles in individuals of African descent in gnomAD. At this time, the clinical significance of this variant is uncertain due to the absence of conclusive functional and genetic evidence.

NM_000525.4(KCNJ11):c.205C>A (p.Pro69Thr)

Gene: KCNJ11 (potassium inwardly rectifying channel subfamily J member 11; minus strand). Cytogenetic location: 11p15.1.
Variant type: single nucleotide variant.
Coding change: c.205C>A on transcript NM_000525.4 (MANE Select); coding-DNA position 205, C replaced by A.
Protein change: p.Pro69Thr; replaces proline 69 with threonine.
Molecular consequence: missense variant. On other transcripts: intron variant (3).
Genome position (GRCh38, 1-based): chr11:17,387,887, G>T on the plus strand (C>A on the coding strand, the complement: KCNJ11 is on the minus strand). VCF-style: chr11-17387887-G-T. GRCh37 (hg19) VCF-style: chr11-17409434-G-T.
Other names: c.-16-41C>A (NM_001166290.2, NM_001377297.1, NM_001377296.1); short protein forms P69T.
Identifiers: ClinVar variation 4983963 (VCV004983963.1).